The following is an entry in ClinVar:

NM_021072.4(HCN1):c.299C>T (p.Ser100Phe)

Gene: HCN1 (hyperpolarization activated cyclic nucleotide gated potassium channel 1; minus strand). Cytogenetic location: 5p12.
Variant type: single nucleotide variant.
Coding change: c.299C>T on transcript NM_021072.4 (MANE Select); coding-DNA position 299, C replaced by T.
Protein change: p.Ser100Phe; replaces serine 100 with phenylalanine.
Molecular consequence: missense variant.
Genome position (GRCh38, 1-based): chr5:45,695,795, G>A on the plus strand (C>T on the coding strand, the complement: HCN1 is on the minus strand). VCF-style: chr5-45695795-G-A. GRCh37 (hg19) VCF-style: chr5-45695897-G-A.
Other names: short protein forms S100F.
Identifiers: ClinVar variation 139572 (VCV000139572.17), dbSNP rs587777492, ClinGen allele CA163272.

ClinVar aggregate classification (germline): Pathogenic/Likely pathogenic. Review status: criteria provided, multiple submitters, no conflicts (2 of 4 stars). 6 submissions from 6 submitters: Pathogenic (2); Likely pathogenic (3). 1 of the submissions does not count toward it. Last evaluated 2025-11-18.

Conditions:
Generalized epilepsy with febrile seizures plus, type 10. Also called: GEFS+, TYPE 10. Identifiers: MedGen C5193120, MONDO:0032777, OMIM 618482.
Developmental and epileptic encephalopathy, 24 (DEE24). Also called: Epileptic encephalopathy, early infantile, 24. Identifiers: Orphanet 442835, MedGen C4014531, MONDO:0014377, OMIM 615871.
Early-infantile DEE. Also called: Ohtahara syndrome; Early infantile epileptic encephalopathy; Early infantile epileptic encephalopathy with suppression bursts. Identifiers: Orphanet 1934, MedGen C0393706, MONDO:0800491.
HCN1-related disorder. Also called: HCN1-related condition; HCN1-related disorders.

Submissions (6):

GeneDx
Classification: Pathogenic. Last evaluated: 2025-11-18. Review status: criteria provided, single submitter. Criteria: GeneDx Variant Classification Process June 2021. Collection method: clinical testing. Allele origin: germline.
Comment: Published functional studies suggest this variant results in impairment of protein function, however additional studies are needed to validate the functional effect of this variant (PMID: 24747641, 26030105, 34310985); Not observed at significant frequency in large population cohorts (gnomAD); In silico analysis supports that this missense variant has a deleterious effect on protein structure/function; This variant is associated with the following publications: (PMID: 26030105, 34310985, 24747641, 35845605, 35359639)

Labcorp Genetics (formerly Invitae), Labcorp
Classification: Pathogenic for Early-infantile DEE. Last evaluated: 2024-08-21. Review status: criteria provided, single submitter. Criteria: Invitae Variant Classification Sherloc (09022015). Collection method: clinical testing. Allele origin: germline.
Comment: This sequence change replaces serine, which is neutral and polar, with phenylalanine, which is neutral and non-polar, at codon 100 of the HCN1 protein (p.Ser100Phe). This variant is not present in population databases (gnomAD no frequency). This missense change has been observed in individual(s) with early infantile epileptic encephalopathy (PMID: 24747641). In at least one individual the variant was observed to be de novo. ClinVar contains an entry for this variant (Variation ID: 139572). Invitae Evidence Modeling of protein sequence and biophysical properties (such as structural, functional, and spatial information, amino acid conservation, physicochemical variation, residue mobility, and thermodynamic stability) indicates that this missense variant is not expected to disrupt HCN1 protein function with a negative predictive value of 80%. Experimental studies have shown that this missense change affects HCN1 function (PMID: 24747641). For these reasons, this variant has been classified as Pathogenic.

Blueprint Genetics
Classification: Likely pathogenic for HCN1-related disorders. Last evaluated: 2024-03-15. Review status: criteria provided, single submitter. Criteria: ACMG Guidelines, 2015. Collection method: clinical testing. Allele origin: germline. Affected: yes. Observed: 1 variant allele.

Institute of Human Genetics, University of Leipzig Medical Center
Classification: Likely pathogenic for Generalized epilepsy with febrile seizures plus, type 10. Last evaluated: 2023-11-14. Review status: criteria provided, single submitter. Criteria: ACMG Guidelines, 2015. Collection method: clinical testing. Allele origin: unknown. Inheritance: Autosomal dominant inheritance. Affected: yes.
Comment: Criteria applied: PS2_MOD,PS4_MOD,PS3_SUP,PM2_SUP,PP2,PP3

Juno Genomics, Hangzhou Juno Genomics, Inc
Classification: Likely pathogenic for Developmental and epileptic encephalopathy, 24; Generalized epilepsy with febrile seizures plus, type 10. Review status: criteria provided, single submitter. Criteria: ACMG Guidelines, 2015. Collection method: clinical testing. Allele origin: germline. Affected: yes.
Comment: Absent from controls (or at extremely low frequency if recessive) in Genome Aggregation Database.;The prevalence of the variant in affected individuals is significantly increased compared to the prevalence in controls.;Assumed de novo, but without confirmation of paternity and maternity.;Well-established in vitro or in vivo functional studies supportive of a damaging effect on the gene or gene product.;Missense variant in a gene that has a low rate of benign missense variation.

OMIM
Classification: Pathogenic for DEVELOPMENTAL AND EPILEPTIC ENCEPHALOPATHY 24. Last evaluated: 2014-06-01. Review status: no assertion criteria provided. Collection method: literature only. Allele origin: germline. Not counted in ClinVar's aggregate classification.

Literature cited by the submitters: PubMed 24747641 (cited by Labcorp Genetics (formerly Invitae), Labcorp and OMIM).